The following is an entry in ClinVar:

ClinVar aggregate classification (germline): Uncertain significance (0 of 4 stars; one submission).

Submission:

ISCA site 1
Classification: Uncertain significance. Last evaluated: 2018-02-12. Review status: no assertion criteria provided. Collection method: clinical testing. Allele origin: unknown. Affected: yes. Observed: 1 variant allele.
Comment: Only contained 1 exon of a longer isoform, thus uncertain if gene was actually interrupted.

Copy number variation identified through the course of routine clinical cytogenomic testing in postnatal populations, with clinical assertions as classified by the original submitter. For data from the original published study, Kaminsky, et al. 2011 (PubMed 21844811), please see nstd101.

GRCh38/hg38 Xp22.33(chrX:653429-722113)x1

Gene: SHOX (SHOX homeobox; plus strand). Cytogenetic location: Xp22.33.
Variant type: copy number loss.
Change: copy number 1 of chrX:653,429-722,113 (68.7 kb, GRCh38 coordinates, 1-based), cytogenetic band Xp22.33.
Identifiers: ClinVar variation 155577 (VCV000155577.3).